The following is an entry in ClinVar:

ClinVar aggregate classification (germline): Uncertain significance. Review status: criteria provided, multiple submitters, no conflicts (2 of 4 stars). 2 submissions from 2 submitters: Uncertain significance (2). Last evaluated 2026-01-11.

Conditions:
Cardiovascular phenotype. Identifiers: MedGen CN230736.

Allele frequency attached by ClinVar (database versions not stated): gnomAD exomes below 0.00001; TOPMed 0.00002; gnomAD 0.00001; ExAC 0.00002.

Submissions (2):

Labcorp Genetics (formerly Invitae), Labcorp
Classification: Uncertain significance. Last evaluated: 2026-01-11. Review status: criteria provided, single submitter. Criteria: Invitae Variant Classification Sherloc (09022015). Collection method: clinical testing. Allele origin: germline.
Comment: This sequence change replaces methionine, which is neutral and non-polar, with isoleucine, which is neutral and non-polar, at codon 116 of the MFAP5 protein (p.Met116Ile). The frequency data for this variant in the population databases is considered unreliable, as metrics indicate poor data quality at this position in the gnomAD database. This variant has not been reported in the literature in individuals affected with MFAP5-related conditions. ClinVar contains an entry for this variant (Variation ID: 2867860). An algorithm developed to predict the effect of missense changes on protein structure and function (PolyPhen-2) suggests that this variant is likely to be tolerated. In summary, the available evidence is currently insufficient to determine the role of this variant in disease. Therefore, it has been classified as a Variant of Uncertain Significance.

Ambry Genetics
Classification: Uncertain significance for Cardiovascular phenotype. Last evaluated: 2023-10-10. Review status: criteria provided, single submitter. Criteria: Ambry Variant Classification Scheme 2023. Collection method: clinical testing. Allele origin: germline.

NM_003480.4(MFAP5):c.348G>A (p.Met116Ile)

Gene: MFAP5 (microfibril associated protein 5; minus strand). Cytogenetic location: 12p13.31.
Variant type: single nucleotide variant.
Coding change: c.348G>A on transcript NM_003480.4 (MANE Select); coding-DNA position 348, G replaced by A.
Protein change: p.Met116Ile; replaces methionine 116 with isoleucine.
Molecular consequence: missense variant. On other transcripts: non-coding transcript variant (2), intron variant (1).
Genome position (GRCh38, 1-based): chr12:8,649,562, C>T on the plus strand (G>A on the coding strand, the complement: MFAP5 is on the minus strand). VCF-style: chr12-8649562-C-T. GRCh37 (hg19) VCF-style: chr12-8802158-C-T.
Other names: c.318G>A, p.Met106Ile (NM_001297709.2); c.282G>A, p.Met94Ile (NM_001297710.2); c.273G>A, p.Met91Ile (NM_001297711.2); c.218-1359G>A (NM_001297712.2); c.348G>A (NM_003480.2); short protein forms M106I, M94I, M91I, M116I.
Identifiers: ClinVar variation 2867860 (VCV002867860.4), dbSNP rs769921511, ClinGen allele CA6434604.